The following is an entry in ClinVar:

NM_003924.4(PHOX2B):c.142A>G (p.Arg48Gly)

Genes: PHOX2B (paired like homeobox 2B; minus strand), PHOX2B-AS1 (PHOX2B antisense RNA 1; plus strand). Cytogenetic location: 4p13.
Variant type: single nucleotide variant.
Coding change: c.142A>G on transcript NM_003924.4 (MANE Select); coding-DNA position 142, A replaced by G.
Protein change: p.Arg48Gly; replaces arginine 48 with glycine.
Molecular consequence: missense variant. On other transcripts: non-coding transcript variant (1).
Genome position (GRCh38, 1-based): chr4:41,748,469, T>C on the plus strand (A>G on the coding strand, the complement: PHOX2B is on the minus strand). VCF-style: chr4-41748469-T-C. GRCh37 (hg19) VCF-style: chr4-41750486-T-C.
Other names: short protein forms R48G.
Identifiers: ClinVar variation 4136075 (VCV004136075.1).

ClinVar aggregate classification (germline): Uncertain significance (1 of 4 stars; one submission).

Conditions:
Hereditary cancer-predisposing syndrome. Also called: Hereditary neoplastic syndrome; Neoplastic Syndromes, Hereditary; Tumor predisposition; Hereditary Cancer Syndrome. Identifiers: Orphanet 140162, MedGen C0027672, MeSH D009386, MONDO:0015356.

Submission:

Ambry Genetics
Classification: Uncertain significance for Hereditary cancer-predisposing syndrome. Last evaluated: 2025-06-28. Review status: criteria provided, single submitter. Criteria: Ambry Variant Classification Scheme 2023. Collection method: clinical testing. Allele origin: germline.
Comment: The p.R48G variant (also known as c.142A>G), located in coding exon 1 of the PHOX2B gene, results from an A to G substitution at nucleotide position 142. The arginine at codon 48 is replaced by glycine, an amino acid with dissimilar properties. This amino acid position is conserved. In addition, this alteration is predicted to be deleterious by in silico analysis. Based on the available evidence, the clinical significance of this variant remains unclear.